The following is an entry in ClinVar:

NM_000059.4(BRCA2):c.-8A>T

Gene: BRCA2 (BRCA2 DNA repair associated; plus strand). Cytogenetic location: 13q13.1.
Variant type: single nucleotide variant.
Coding change: c.-8A>T on transcript NM_000059.4 (MANE Select); 8 bases upstream of the start codon, A replaced by T.
Molecular consequence: 5 prime UTR variant. On other transcripts: non-coding transcript variant (1), intron variant (1).
Genome position (GRCh38, 1-based): chr13:32,316,453, A>T. VCF-style: chr13-32316453-A-T. GRCh37 (hg19) VCF-style: chr13-32890590-A-T.
Other names: c.-8A>T (NM_001406719.1, NM_001406720.1, NM_001406721.1 and 1 more transcripts); c.-303+786A>T (NM_001406722.1).
Identifiers: ClinVar variation 3663082 (VCV003663082.2).
Genomic context (GRCh38, chr13:32,316,453, plus strand): 5'-TAAGTGCATTTTGGTCTTCTGTTTTGCAGACTTATTTACCAAGCATTGGAGGAATATCGT[A>T]GGTAAAAATGCCTATTGGATCCAAAGAGAGGCCAACATTTTTTGAAATTTTTAAGACACG-3'

ClinVar aggregate classification (germline): Uncertain significance (1 of 4 stars; one submission).

Conditions:
Hereditary breast ovarian cancer syndrome. Also called: Hereditary breast and ovarian cancer syndrome; Hereditary breast and/or ovarian cancer syndrome; Hereditary breast and ovarian cancer; Breast and ovarian cancer; Hereditary breast and ovarian cancer syndrome (HBOC); BRCA1- and BRCA2-Associated Hereditary Breast and Ovarian Cancer. Identifiers: Orphanet 145, MedGen C0677776, MeSH D061325, MONDO:0003582. Disease mechanism: loss of function.

Submission:

Labcorp Genetics (formerly Invitae), Labcorp
Classification: Uncertain significance for Hereditary breast ovarian cancer syndrome. Last evaluated: 2024-08-21. Review status: criteria provided, single submitter. Criteria: Invitae Variant Classification Sherloc (09022015). Collection method: clinical testing. Allele origin: germline.
Comment: This variant occurs in a non-coding region of the BRCA2 gene. It does not change the encoded amino acid sequence of the BRCA2 protein. This variant is not present in population databases (gnomAD no frequency). This variant has not been reported in the literature in individuals affected with BRCA2-related conditions. In summary, the available evidence is currently insufficient to determine the role of this variant in disease. Therefore, it has been classified as a Variant of Uncertain Significance.